The following is an entry in ClinVar:

NM_001378969.1(KCND3):c.1769G>A (p.Arg590His)

Gene: KCND3 (potassium voltage-gated channel subfamily D member 3; minus strand). Cytogenetic location: 1p13.2.
Variant type: single nucleotide variant.
Coding change: c.1769G>A on transcript NM_001378969.1 (MANE Select); coding-DNA position 1769, G replaced by A.
Protein change: p.Arg590His; replaces arginine 590 with histidine.
Molecular consequence: missense variant.
Genome position (GRCh38, 1-based): chr1:111,776,276, C>T on the plus strand (G>A on the coding strand, the complement: KCND3 is on the minus strand). VCF-style: chr1-111776276-C-T. GRCh37 (hg19) VCF-style: chr1-112318898-C-T.
Other names: c.1712G>A, p.Arg571His (NM_001378970.1, NM_172198.3); c.1769G>A, p.Arg590His (NM_004980.5); short protein forms R590H, R571H.
Identifiers: ClinVar variation 586063 (VCV000586063.14), dbSNP rs186194682, ClinGen allele CA1007340.
Genomic context (GRCh38, chr1:111,776,276, plus strand): 5'-ATCTGGGATGTTTTGCAGTTTGGTCTCAGTCCGTCGTCTGCTTTCAAATTAAGGCTGGAG[C>T]GACTGGGATAGAAAAGAGTGAGTTGATGATGGTTCCTGCTGGCCAGCGTCCCAAAGCTTC-3'
Protein context (NP_001365898.1, residues 580-600): GSEQPSLTTS[Arg590His]SSLNLKADDG

ClinVar aggregate classification (germline): Conflicting classifications of pathogenicity. Review status: criteria provided, conflicting classifications (1 of 4 stars). 4 submissions from 4 submitters: Uncertain significance (2); Likely benign (2). Last evaluated 2025-11-25.

Conditions:
Cardiovascular phenotype. Identifiers: MedGen CN230736.
Spinocerebellar ataxia type 19/22 (SCA19). Also called: SPINOCEREBELLAR ATAXIA 22; SPINOCEREBELLAR ATAXIA 19. Identifiers: Orphanet 98772, MedGen C1846367, MONDO:0011819, OMIM 607346.

Allele frequency attached by ClinVar (database versions not stated): gnomAD exomes 0.00004 and 0.00006; ExAC 0.00005; gnomAD 0.00005 and 0.00006; TOPMed 0.00007; 1000 Genomes Project 30x 0.00031; 1000 Genomes Project 0.00040.
gnomAD v4.1: 63 of 1,613,566 alleles (0.0039%); highest among the groups gnomAD compares: Admixed American, 0.027%; no homozygotes.

Submissions (4):

Labcorp Genetics (formerly Invitae), Labcorp
Classification: Uncertain significance for Spinocerebellar ataxia type 19/22. Last evaluated: 2025-11-25. Review status: criteria provided, single submitter. Criteria: Invitae Variant Classification Sherloc (09022015). Collection method: clinical testing. Allele origin: germline.
Comment: This sequence change replaces arginine, which is basic and polar, with histidine, which is basic and polar, at codon 590 of the KCND3 protein (p.Arg590His). This variant is present in population databases (rs186194682, gnomAD 0.01%). This variant has not been reported in the literature in individuals affected with KCND3-related conditions. ClinVar contains an entry for this variant (Variation ID: 586063). Invitae Evidence Modeling of protein sequence and biophysical properties (such as structural, functional, and spatial information, amino acid conservation, physicochemical variation, residue mobility, and thermodynamic stability) indicates that this missense variant is not expected to disrupt KCND3 protein function with a negative predictive value of 95%. In summary, the available evidence is currently insufficient to determine the role of this variant in disease. Therefore, it has been classified as a Variant of Uncertain Significance.

GeneDx
Classification: Uncertain significance. Last evaluated: 2024-07-12. Review status: criteria provided, single submitter. Criteria: GeneDx Variant Classification Process June 2021. Collection method: clinical testing. Allele origin: germline. Affected: yes.
Comment: In silico analysis indicates that this missense variant does not alter protein structure/function; Has not been previously published as pathogenic or benign to our knowledge

Ambry Genetics
Classification: Likely benign for Cardiovascular phenotype. Last evaluated: 2023-05-07. Review status: criteria provided, single submitter. Criteria: Ambry Variant Classification Scheme 2023. Collection method: clinical testing. Allele origin: germline.

Athena Diagnostics
Classification: Likely benign. Last evaluated: 2017-09-07. Review status: criteria provided, single submitter. Criteria: Athena Diagnostics Criteria. Collection method: clinical testing. Allele origin: germline.